The following is an entry in ClinVar:

NM_001943.5(DSG2):c.211_216+2del

Gene: DSG2 (desmoglein 2; plus strand). Cytogenetic location: 18q12.1.
Variant type: Deletion.
Coding change: c.211_216+2del on transcript NM_001943.5 (MANE Select); coding-DNA position 211 through the canonical splice donor site of the intron after coding-DNA position 216, 8 bases deleted (GCCAAGGT; older notation c.211_216+2delGCCAAGGT).
Molecular consequence: splice donor variant.
Genome position (GRCh38, 1-based): chr18:31,519,932-31,519,939, GCCAAGGT deleted; deleting any 8 consecutive bases within chr18:31,519,931-31,519,939 gives the same sequence; the c. name uses the placement nearest the transcript's 3' end. VCF-style (leftmost placement, unchanged base first): chr18-31519930-TTGCCAAGG-T. GRCh37 (hg19) VCF-style: chr18-29099893-TTGCCAAGG-T.
Other names: c.211_216+2delGCCAAGGT (NM_001943.5).
Identifiers: ClinVar variation 3902638 (VCV003902638.1).
Genomic context (GRCh38, chr18:31,519,930, plus strand): 5'-CCTGGATCACCGCCCCCGTGGCTCTTCGGGAGGGAGAGGATCTGTCCAAGAAGAATCCAA[TTGCCAAGG>T]TACCTCCTAAAGAGGAACATGAAATACATGCATATGACTAAAATGTGGTGTGAGAGGACT-3'

ClinVar aggregate classification (germline): Likely pathogenic (1 of 4 stars; one submission).

Conditions:
Familial isolated arrhythmogenic right ventricular dysplasia. Identifiers: Orphanet 217656, MedGen C4274968, MONDO:0016342.

Submission:

Women's Health and Genetics/Laboratory Corporation of America, LabCorp
Classification: Likely pathogenic for Familial isolated arrhythmogenic right ventricular dysplasia. Last evaluated: 2025-05-28. Review status: criteria provided, single submitter. Criteria: LabCorp Variant Classification Summary - May 2015. Collection method: clinical testing. Allele origin: germline.
Comment: Variant summary: DSG2 c.211_216+2delGCCAAGGT is located in a canonical splice-site and is predicted to affect mRNA splicing resulting in a significantly altered protein due to either exon skipping, shortening, or inclusion of intronic material. Variants that disrupt the consensus splice site are a relatively common cause of aberrant splicing and loss of DSG2 function. Several computational tools predict a significant impact on normal splicing: Four predict the variant abolishes a 5' splicing donor site. However, these predictions have yet to be confirmed by functional studies. The variant was absent in 249482 control chromosomes (gnomAD). To our knowledge, no occurrence of c.211_216+2delGCCAAGGT in individuals affected with Arrhythmogenic Right Ventricular Dysplasia/Cardiomyopathy and no experimental evidence demonstrating its impact on protein function have been reported. No submitters have cited clinical-significance assessments for this variant to ClinVar. Based on the evidence outlined above, the variant was classified as likely pathogenic.